The following is an entry in ClinVar:

ClinVar aggregate classification (germline): Likely benign. Review status: criteria provided, multiple submitters, no conflicts (2 of 4 stars). 4 submissions from 4 submitters: Likely benign (4). Last evaluated 2026-07-01.

Conditions:
Hereditary cancer-predisposing syndrome. Also called: Hereditary neoplastic syndrome; Tumor predisposition; Neoplastic Syndromes, Hereditary; Hereditary Cancer Syndrome. Identifiers: Orphanet 140162, MedGen C0027672, MeSH D009386, MONDO:0015356.
Medulloblastoma (MDB). Also called: MEDULLOBLASTOMA PREDISPOSITION SYNDROME; Medulloblastoma, somatic. Identifiers: Orphanet 616, MedGen C0025149, MeSH D008527, MONDO:0007959, OMIM 155255, HP:0002885.
Gorlin syndrome. Also called: Nevoid Basal Cell Carcinoma Syndrome; Basal cell nevus syndrome. Identifiers: Orphanet 377, MedGen C0004779, MONDO:0007187.

Allele frequency attached by ClinVar (database versions not stated): ExAC 0.00002; gnomAD exomes 0.00002 and 0.00004; gnomAD 0.00003; TOPMed 0.00003.
gnomAD v4.1: 64 of 1,613,916 alleles (0.004%); highest among the groups gnomAD compares: Non-Finnish European, 0.0051%; no homozygotes.

Submissions (4):

CeGaT Center for Human Genetics Tuebingen
Classification: Likely benign. Last evaluated: 2026-07-01. Review status: criteria provided, single submitter. Criteria: CeGaT Center For Human Genetics Tuebingen Variant Classification Criteria Version 2. Collection method: clinical testing. Allele origin: germline. Affected: yes. Observed: 1 variant allele.
Comment: SUFU: BP4, BP7

Labcorp Genetics (formerly Invitae), Labcorp
Classification: Likely benign for Gorlin syndrome; Medulloblastoma. Last evaluated: 2025-11-18. Review status: criteria provided, single submitter. Criteria: Invitae Variant Classification Sherloc (09022015). Collection method: clinical testing. Allele origin: germline.

Center for Genomic Medicine, Rigshospitalet, Copenhagen University Hospital
Classification: Likely benign. Last evaluated: 2025-03-04. Review status: criteria provided, single submitter. Criteria: ACMG Guidelines, 2015. Collection method: clinical testing. Allele origin: germline.

Ambry Genetics
Classification: Likely benign for Hereditary cancer-predisposing syndrome. Last evaluated: 2017-09-28. Review status: criteria provided, single submitter. Criteria: Ambry Variant Classification Scheme 2023. Collection method: clinical testing. Allele origin: germline.

NM_016169.4(SUFU):c.873C>T (p.Ile291=)

Gene: SUFU (SUFU negative regulator of hedgehog signaling; plus strand). Cytogenetic location: 10q24.32.
Variant type: single nucleotide variant.
Coding change: c.873C>T on transcript NM_016169.4 (MANE Select); coding-DNA position 873, C replaced by T.
Protein change: p.Ile291=; no amino-acid change (isoleucine 291 retained).
Molecular consequence: synonymous variant.
Genome position (GRCh38, 1-based): chr10:102,597,256, C>T. VCF-style: chr10-102597256-C-T. GRCh37 (hg19) VCF-style: chr10-104357013-C-T.
Other names: c.873C>T, p.Ile291= (NM_001178133.2).
Identifiers: ClinVar variation 486527 (VCV000486527.18), dbSNP rs763453891, ClinGen allele CA5667792.